The following is an entry in ClinVar:

NM_014425.5(INVS):c.1508A>T (p.Asp503Val)

Gene: INVS (inversin; plus strand). Cytogenetic location: 9q31.1.
Variant type: single nucleotide variant.
Coding change: c.1508A>T on transcript NM_014425.5 (MANE Select); coding-DNA position 1508, A replaced by T.
Protein change: p.Asp503Val; replaces aspartic acid 503 with valine.
Molecular consequence: missense variant. On other transcripts: non-coding transcript variant (1).
Genome position (GRCh38, 1-based): chr9:100,264,865, A>T. VCF-style: chr9-100264865-A-T. GRCh37 (hg19) VCF-style: chr9-103027147-A-T.
Other names: c.1220A>T, p.Asp407Val (NM_001318381.2); c.530A>T, p.Asp177Val (NM_001318382.2); short protein forms D177V, D503V, D407V.
Identifiers: ClinVar variation 1473266 (VCV001473266.8), dbSNP rs1832737838, ClinGen allele CA374236509.
Genomic context (GRCh38, chr9:100,264,865, plus strand): 5'-TTTGTTTATGCTTATAGGGAAGAACAGCTTTGCATTGGTCCTGCAACAATGGATACCTTG[A>T]TGCCATTAAATTACTGCTAGACTTTGCTGCTTTCCCTAATCAGATGGAAAACAATGAAGA-3'
Protein context (NP_055240.2, residues 493-513): LHWSCNNGYL[Asp503Val]AIKLLLDFAA

ClinVar aggregate classification (germline): Uncertain significance (1 of 4 stars; one submission).

Conditions:
Nephronophthisis. Also called: Juvenile Nephronophthisis. Identifiers: Orphanet 655, MedGen C0687120, MONDO:0019005, HP:0000090.

Submission:

Labcorp Genetics (formerly Invitae), Labcorp
Classification: Uncertain significance for Nephronophthisis. Last evaluated: 2022-07-19. Review status: criteria provided, single submitter. Criteria: Invitae Variant Classification Sherloc (09022015). Collection method: clinical testing. Allele origin: germline.
Comment: In summary, the available evidence is currently insufficient to determine the role of this variant in disease. Therefore, it has been classified as a Variant of Uncertain Significance. Algorithms developed to predict the effect of missense changes on protein structure and function are either unavailable or do not agree on the potential impact of this missense change (SIFT: "Deleterious"; PolyPhen-2: "Probably Damaging"; Align-GVGD: "Class C15"). ClinVar contains an entry for this variant (Variation ID: 1473266). This variant has not been reported in the literature in individuals affected with INVS-related conditions. This variant is not present in population databases (gnomAD no frequency). This sequence change replaces aspartic acid, which is acidic and polar, with valine, which is neutral and non-polar, at codon 503 of the INVS protein (p.Asp503Val).